The following is an entry in ClinVar:

NM_005120.3(MED12):c.3271G>A (p.Glu1091Lys)

Gene: MED12 (mediator complex subunit 12; plus strand). Cytogenetic location: Xq13.1.
Variant type: single nucleotide variant.
Coding change: c.3271G>A on transcript NM_005120.3 (MANE Select); coding-DNA position 3271, G replaced by A.
Protein change: p.Glu1091Lys; replaces glutamic acid 1091 with lysine.
Molecular consequence: missense variant.
Genome position (GRCh38, 1-based): chrX:71,128,357, G>A. VCF-style: chrX-71128357-G-A. GRCh37 (hg19) VCF-style: chrX-70348207-G-A.
Other names: short protein forms E1091K.
Identifiers: ClinVar variation 1210241 (VCV001210241.2), dbSNP rs2147802318, ClinGen allele CA413518110.

ClinVar aggregate classification (germline): not provided (0 of 4 stars; one submission).

Conditions:
FG syndrome 1 (OKS). Also called: OPITZ-KAVEGGIA SYNDROME; KELLER SYNDROME; MENTAL RETARDATION, LARGE HEAD, IMPERFORATE ANUS, CONGENITAL HYPOTONIA, AND PARTIAL AGENESIS OF CORPUS CALLOSUM; FG Syndrome Type 1 (FGS1). Identifiers: Orphanet 93932, MedGen C5399762, MONDO:0010590, OMIM 305450.

Submission:

GeneReviews
No classification provided. Condition: FG syndrome. Review status: no classification provided. Collection method: literature only. Allele origin: germline.
Comment: Reported in male cousins with nonspecific intellectual disability

Literature cited by the submitters: PubMed 30006928; PubMed 20301719.